The following is an entry in ClinVar:

NM_181882.3(PRX):c.673G>T (p.Ala225Ser)

Gene: PRX (periaxin; minus strand). Cytogenetic location: 19q13.2.
Variant type: single nucleotide variant.
Coding change: c.673G>T on transcript NM_181882.3 (MANE Select); coding-DNA position 673, G replaced by T.
Protein change: p.Ala225Ser; replaces alanine 225 with serine.
Molecular consequence: missense variant. On other transcripts: 3 prime UTR variant (1).
Genome position (GRCh38, 1-based): chr19:40,397,679, C>A on the plus strand (G>T on the coding strand, the complement: PRX is on the minus strand). VCF-style: chr19-40397679-C-A. GRCh37 (hg19) VCF-style: chr19-40903586-C-A.
Other names: c.*878G>T (NM_020956.2); short protein forms A225S.
Identifiers: ClinVar variation 645905 (VCV000645905.7), dbSNP rs754734195, ClinGen allele CA9444399.

ClinVar aggregate classification (germline): Uncertain significance (1 of 4 stars; one submission).

Conditions:
Charcot-Marie-Tooth disease type 4. Also called: Charcot-Marie-Tooth disease, type IV; Charcot-Marie-Tooth, Type 4. Identifiers: Orphanet 64749, MedGen C4082197, MONDO:0018995.

Allele frequency attached by ClinVar (database versions not stated): gnomAD 0.00001; gnomAD exomes 0.00001; TOPMed 0.00002; ExAC 0.00006.
gnomAD v4.1: 9 of 1,556,810 alleles (0.00058%); highest among the groups gnomAD compares: African/African-American, 0.0013%; no homozygotes.

Submission:

Labcorp Genetics (formerly Invitae), Labcorp
Classification: Uncertain significance for Charcot-Marie-Tooth disease type 4. Last evaluated: 2018-09-20. Review status: criteria provided, single submitter. Criteria: Invitae Variant Classification Sherloc (09022015). Collection method: clinical testing. Allele origin: germline.
Comment: This sequence change replaces alanine with serine at codon 225 of the PRX protein (p.Ala225Ser). The alanine residue is moderately conserved and there is a moderate physicochemical difference between alanine and serine. This variant is present in population databases (rs754734195, ExAC 0.02%). This variant has not been reported in the literature in individuals with PRX-related disease. Algorithms developed to predict the effect of missense changes on protein structure and function are either unavailable or do not agree on the potential impact of this missense change (SIFT: "Tolerated"; PolyPhen-2: "Possibly Damaging"; Align-GVGD: "Class C0"). In summary, the available evidence is currently insufficient to determine the role of this variant in disease. Therefore, it has been classified as a Variant of Uncertain Significance.